The following is an entry in ClinVar:

ClinVar aggregate classification (germline): Uncertain significance. Review status: criteria provided, multiple submitters, no conflicts (2 of 4 stars). 2 submissions from 2 submitters: Uncertain significance (2). Last evaluated 2025-12-11.

Allele frequency attached by ClinVar (database versions not stated): gnomAD exomes 0.00002 and 0.00007; ExAC 0.00007; TOPMed 0.00014; 1000 Genomes Project 30x 0.00016; gnomAD 0.00017 and 0.00019; 1000 Genomes Project 0.00020; ESP Exome Variant Server 0.00023.
gnomAD v4.1: 55 of 1,613,312 alleles (0.0034%); highest among the groups gnomAD compares: African/African-American, 0.064%; no homozygotes.

Submissions (2):

Women's Health and Genetics/Laboratory Corporation of America, LabCorp
Classification: Uncertain significance. Last evaluated: 2025-12-11. Review status: criteria provided, single submitter. Criteria: LabCorp Variant Classification Summary - May 2015. Collection method: clinical testing. Allele origin: germline.
Comment: Variant summary: CNTNAP1 c.2978C>T (p.Pro993Leu) results in a non-conservative amino acid change in the encoded protein sequence. Algorithms developed to predict the effect of missense changes on protein structure and function all suggest that this variant is likely to be disruptive. The variant allele was found at a frequency of 6.8e-05 in 251320 control chromosomes. This frequency is not significantly higher than estimated for disease-causing variants in CNTNAP1, allowing no conclusion about variant significance. To our knowledge, no occurrence of c.2978C>T in individuals affected with CNTNAP1-related conditions and no experimental evidence demonstrating its impact on protein function have been reported. ClinVar contains an entry for this variant (Variation ID: 1467498). Based on the evidence outlined above, the variant was classified as uncertain significance.

Labcorp Genetics (formerly Invitae), Labcorp
Classification: Uncertain significance. Last evaluated: 2021-12-02. Review status: criteria provided, single submitter. Criteria: Invitae Variant Classification Sherloc (09022015). Collection method: clinical testing. Allele origin: germline.
Comment: This sequence change replaces proline, which is neutral and non-polar, with leucine, which is neutral and non-polar, at codon 993 of the CNTNAP1 protein (p.Pro993Leu). This variant is present in population databases (rs144879356, gnomAD 0.09%). This variant has not been reported in the literature in individuals affected with CNTNAP1-related conditions. Algorithms developed to predict the effect of missense changes on protein structure and function (SIFT, PolyPhen-2, Align-GVGD) all suggest that this variant is likely to be disruptive. In summary, the available evidence is currently insufficient to determine the role of this variant in disease. Therefore, it has been classified as a Variant of Uncertain Significance.

NM_003632.3(CNTNAP1):c.2978C>T (p.Pro993Leu)

Gene: CNTNAP1 (contactin associated protein 1; plus strand). Cytogenetic location: 17q21.2.
Variant type: single nucleotide variant.
Coding change: c.2978C>T on transcript NM_003632.3 (MANE Select); coding-DNA position 2978, C replaced by T.
Protein change: p.Pro993Leu; replaces proline 993 with leucine.
Molecular consequence: missense variant.
Genome position (GRCh38, 1-based): chr17:42,693,522, C>T. VCF-style: chr17-42693522-C-T. GRCh37 (hg19) VCF-style: chr17-40845540-C-T.
Other names: short protein forms P993L.
Identifiers: ClinVar variation 1467498 (VCV001467498.4), dbSNP rs144879356, ClinGen allele CA8582202.
Genomic context (GRCh38, chr17:42,693,522, plus strand): 5'-GCTGCGTGGAGCGCTATAGCTACTACACGTGTGACTGTGACCTCACGGCTTTTGATGGGC[C>T]ATACTGCAACCACGGTAAGTGCTGCTGGTTATGGGGCAACAGGGAGCCATAGGGTGTAAT-3'
Protein context (NP_003623.1, residues 983-1003): CDCDLTAFDG[Pro993Leu]YCNHDIGGFF